The following is an entry in ClinVar:

ClinVar aggregate classification (germline): Pathogenic (1 of 4 stars; one submission).

Submission:

ISCA site 4
Classification: Pathogenic. Last evaluated: 2011-08-12. Review status: criteria provided, single submitter. Criteria: Kaminsky et al. (Genet Med. 2011). Collection method: clinical testing. Allele origin: maternal, unknown. Affected: yes. Observed: 2 variant alleles.
Comment: Copy number variation identified through the course of routine clinical cytogenomic testing in postnatal populations. Clinical assertions have been curated as described in Kaminsky et al. 2011.

GRCh38/hg38 22q11.21(chr22:20726972-21151128)x3

Genes: AIFM3 (AIF family member 3; plus strand), CRKL (CRK like proto-oncogene, adaptor protein; plus strand), LINC01637 (long independently transcribed non-coding RNA 1637; plus strand), LRRC74B (leucine rich repeat containing 74B; plus strand), LRRC74BNL (LRRC74B N-terminal like; minus strand) and 32 more. Cytogenetic location: 22q11.21.
Variant type: copy number gain.
Change: copy number 3 (three copies instead of two) of chr22:20,726,972-21,151,128 (424.2 kb, GRCh38 coordinates, 1-based), cytogenetic band 22q11.21.
Identifiers: ClinVar variation 160986 (VCV000160986.1).